The following is an entry in ClinVar:

ClinVar aggregate classification (germline): Likely pathogenic (1 of 4 stars; one submission).

Submission:

GeneDx
Classification: Likely pathogenic. Last evaluated: 2026-10-26. Review status: criteria provided, single submitter. Criteria: GeneDx Variant Classification Process June 2021. Collection method: clinical testing. Allele origin: germline.
Comment: Not observed at significant frequency in large population cohorts (gnomAD); Located in one of the three hot-spot regions of the RYR2 gene, where the majority of pathogenic missense variants occur (PMID: 19926015); In silico analysis supports that this missense variant has a deleterious effect on protein structure/function; Has not been previously published as pathogenic or benign to our knowledge; This variant is associated with the following publications: (PMID: 19926015)

NM_001035.3(RYR2):c.11989A>C (p.Lys3997Gln)

Gene: RYR2 (ryanodine receptor 2; plus strand). Cytogenetic location: 1q43.
Variant type: single nucleotide variant.
Coding change: c.11989A>C on transcript NM_001035.3 (MANE Select); coding-DNA position 11989, A replaced by C.
Protein change: p.Lys3997Gln; replaces lysine 3997 with glutamine.
Molecular consequence: missense variant.
Genome position (GRCh38, 1-based): chr1:237,783,701, A>C. VCF-style: chr1-237783701-A-C. GRCh37 (hg19) VCF-style: chr1-237947001-A-C.
Other names: short protein forms K3997Q.
Identifiers: ClinVar variation 5009126 (VCV005009126.2).